The following is an entry in ClinVar:

ClinVar aggregate classification (germline): Likely benign (1 of 4 stars; one submission).

Allele frequency attached by ClinVar (database versions not stated): gnomAD 0.01317 and 0.01403; 1000 Genomes Project 0.01457; TOPMed 0.01496; 1000 Genomes Project 30x 0.01540.
gnomAD v4.1: 1,465 of 111,858 alleles (1.3%); highest among the groups gnomAD compares: African/African-American, 4.5%; 30 homozygotes.

Submission:

GeneDx
Classification: Likely benign. Last evaluated: 2018-06-16. Review status: criteria provided, single submitter. Criteria: GeneDx Variant Classification (06012015). Collection method: clinical testing. Allele origin: germline. Affected: yes.
Comment: This variant is considered likely benign or benign based on one or more of the following criteria: it is a conservative change, it occurs at a poorly conserved position in the protein, it is predicted to be benign by multiple in silico algorithms, and/or has population frequency not consistent with disease.

NM_000252.3(MTM1):c.1353+262C>T

Gene: MTM1 (myotubularin 1; plus strand). Cytogenetic location: Xq28.
Variant type: single nucleotide variant.
Coding change: c.1353+262C>T on transcript NM_000252.3 (MANE Select); 262 bases into the intron after coding-DNA position 1353, C replaced by T.
Molecular consequence: intron variant.
Genome position (GRCh38, 1-based): chrX:150,660,018, C>T. VCF-style: chrX-150660018-C-T. GRCh37 (hg19) VCF-style: chrX-149828491-C-T.
Other names: c.1353+262C>T (NM_001376908.1, NM_001376906.1); c.1242+262C>T (NM_001376907.1).
Identifiers: ClinVar variation 673642 (VCV000673642.1), dbSNP rs111951773, ClinGen allele CA337093129.